The following is an entry in ClinVar:

ClinVar aggregate classification (germline): Benign (1 of 4 stars; one submission).

Conditions:
Leigh syndrome (NULS). Also called: Leigh's necrotizing encephalopathy; Leigh's disease; Leigh Syndrome (mtDNA deletion); Leigh Disease; Subacute necrotizing encephalopathy; Necrotizing encephalopathy infantile subacute of Leigh. Identifiers: Orphanet 506, MedGen C2931891, MONDO:0009723, OMIM 256000.

Submission:

Wong Mito Lab, Molecular and Human Genetics, Baylor College of Medicine
Classification: Benign for Leigh syndrome. Last evaluated: 2019-10-17. Review status: criteria provided, single submitter. Criteria: Modified ACMG Guidelines (Unpublished). Collection method: clinical testing. Allele origin: germline.
Comment: The NC_012920.1:m.9137T>C (YP_003024031.1:p.Ile204Thr) variant in MTATP6 gene is interpretated to be a Benign variant based on the modified ACMG guidelines (unpublished). This variant meets the following evidence codes: BS1, BS4, BP4

NC_012920.1(MT-ATP6):m.9137T>C

Gene: MT-ATP6 (mitochondrially encoded ATP synthase 6; plus strand).
Variant type: single nucleotide variant.
Genome position: chrM-9137-T-C.
Identifiers: ClinVar variation 693106 (VCV000693106.1), dbSNP rs1603222121, ClinGen allele CA414802285.